The following is an entry in ClinVar:

NM_144997.7(FLCN):c.930C>T (p.Ala310=)

Gene: FLCN (folliculin; minus strand). Cytogenetic location: 17p11.2.
Variant type: single nucleotide variant.
Coding change: c.930C>T on transcript NM_144997.7 (MANE Select); coding-DNA position 930, C replaced by T.
Protein change: p.Ala310=; no amino-acid change (alanine 310 retained).
Molecular consequence: synonymous variant.
Genome position (GRCh38, 1-based): chr17:17,219,151, G>A on the plus strand (C>T on the coding strand, the complement: FLCN is on the minus strand). VCF-style: chr17-17219151-G-A. GRCh37 (hg19) VCF-style: chr17-17122465-G-A.
Other names: c.984C>T, p.Ala328= (NM_001353229.2); c.930C>T, p.Ala310= (NM_001353230.2, NM_001353231.2); c.930C>T (NM_144997.5).
Identifiers: ClinVar variation 1139060 (VCV001139060.9), dbSNP rs900665613, ClinGen allele CA288311757.

ClinVar aggregate classification (germline): Benign/Likely benign. Review status: criteria provided, multiple submitters, no conflicts (2 of 4 stars). 3 submissions from 3 submitters: Benign (1); Likely benign (2). Last evaluated 2026-03-11.

Conditions:
Birt-Hogg-Dube syndrome. Also called: Birt Hogg Dubé syndrome. Identifiers: Orphanet 122, MedGen C0346010, MONDO:0800444.
Birt-Hogg-Dube syndrome 1 (BHD1). Also called: FIBROFOLLICULOMAS WITH TRICHODISCOMAS AND ACROCHORDONS. Identifiers: Orphanet 122, MedGen CN375946, MONDO:0800445, OMIM 135150.
Hereditary cancer-predisposing syndrome. Also called: Neoplastic Syndromes, Hereditary; Tumor predisposition; Hereditary Cancer Syndrome; Hereditary neoplastic syndrome. Identifiers: Orphanet 140162, MedGen C0027672, MeSH D009386, MONDO:0015356.

Submissions (3):

Ambry Genetics
Classification: Likely benign for Hereditary cancer-predisposing syndrome. Last evaluated: 2026-03-11. Review status: criteria provided, single submitter. Criteria: Ambry Variant Classification Scheme 2023. Collection method: clinical testing. Allele origin: germline.

Labcorp Genetics (formerly Invitae), Labcorp
Classification: Likely benign for Birt-Hogg-Dube syndrome. Last evaluated: 2026-01-11. Review status: criteria provided, single submitter. Criteria: Invitae Variant Classification Sherloc (09022015). Collection method: clinical testing. Allele origin: germline.

Myriad Genetics, Inc.
Classification: Benign for Birt-Hogg-Dube syndrome 1. Last evaluated: 2024-10-23. Review status: criteria provided, single submitter. Criteria: Myriad Autosomal Dominant, Autosomal Recessive and X-Linked Classification Criteria (2023). Collection method: clinical testing. Allele origin: unknown.
Comment: This variant is considered benign. This variant is a silent/synonymous amino acid change and it is not expected to impact splicing.